The following is an entry in ClinVar:

NM_000454.5(SOD1):c.435G>C (p.Leu145Phe)

Gene: SOD1 (superoxide dismutase 1; plus strand). Cytogenetic location: 21q22.11.
Variant type: single nucleotide variant.
Coding change: c.435G>C on transcript NM_000454.5 (MANE Select); coding-DNA position 435, G replaced by C.
Protein change: p.Leu145Phe; replaces leucine 145 with phenylalanine.
Molecular consequence: missense variant.
Genome position (GRCh38, 1-based): chr21:31,668,548, G>C. VCF-style: chr21-31668548-G-C. GRCh37 (hg19) VCF-style: chr21-33040861-G-C.
Other names: short protein forms L145F.
Identifiers: ClinVar variation 586637 (VCV000586637.55), dbSNP rs1482760341, ClinGen allele CA410037797.

ClinVar aggregate classification (germline): Pathogenic. Review status: criteria provided, multiple submitters, no conflicts (2 of 4 stars). 10 submissions from 10 submitters: Pathogenic (10). Last evaluated 2026-08-01.

Conditions:
SOD1-related disorder. Also called: SOD1-related condition.
Amyotrophic lateral sclerosis type 1 (ALS1). Also called: AMYOTROPHIC LATERAL SCLEROSIS 1, FAMILIAL. Identifiers: Orphanet 803, MedGen C1862939, MONDO:0007103, OMIM 105400.

Allele frequency attached by ClinVar (database versions not stated): TOPMed below 0.00001; gnomAD exomes 0.00002.

Submissions (10):

CeGaT Center for Human Genetics Tuebingen
Classification: Pathogenic. Last evaluated: 2026-08-01. Review status: criteria provided, single submitter. Criteria: CeGaT Center For Human Genetics Tuebingen Variant Classification Criteria Version 2. Collection method: clinical testing. Allele origin: germline. Affected: yes. Observed: 3 variant alleles.
Comment: SOD1: PS1, PM1, PM2, PM5, PS4:Moderate, PS3:Supporting

Labcorp Genetics (formerly Invitae), Labcorp
Classification: Pathogenic for Amyotrophic lateral sclerosis type 1. Last evaluated: 2025-12-14. Review status: criteria provided, single submitter. Criteria: Invitae Variant Classification Sherloc (09022015). Collection method: clinical testing. Allele origin: germline.
Comment: This sequence change replaces leucine, which is neutral and non-polar, with phenylalanine, which is neutral and non-polar, at codon 145 of the SOD1 protein (p.Leu145Phe). This variant is present in population databases (no rsID available, gnomAD 0.004%). This missense change has been observed in individuals with autosomal dominant amyotrophic lateral sclerosis (PMID: 11676987, 15258228, 16291929, 20309572, 21700728, 23100398, 28222900). It has also been observed to segregate with disease in related individuals. This variant is also known as c.1501G>C , L144F. ClinVar contains an entry for this variant (Variation ID: 586637). Invitae Evidence Modeling of protein sequence and biophysical properties (such as structural, functional, and spatial information, amino acid conservation, physicochemical variation, residue mobility, and thermodynamic stability) indicates that this missense variant is expected to disrupt SOD1 protein function with a positive predictive value of 95%. Experimental studies have shown that this missense change affects SOD1 function (PMID: 11676987, 15987780, 19483195, 20399791, 20404329). This variant disrupts the p.Leu145 amino acid residue in SOD1. Other variant(s) that disrupt this residue have been determined to be pathogenic (PMID: 7496169, 9029070, 23062701, 27978769). This suggests that this residue is clinically significant, and that variants that disrupt this residue are likely to be disease-causing. For these reasons, this variant has been classified as Pathogenic.

3billion
Classification: Pathogenic for Amyotrophic lateral sclerosis type 1. Last evaluated: 2025-07-11. Review status: criteria provided, single submitter. Criteria: ACMG Guidelines, 2015. Collection method: clinical testing. Allele origin: germline. Affected: yes.
Comment: The variant is not observed in the gnomAD v4.1.0 dataset. Predicted Consequence/Location: Missense variant In silico tool predictions suggest damaging effect of the variant on gene or gene product [REVEL: 0.92 (>=0.6, sensitivity 0.68 and specificity 0.92); 3Cnet: 0.95 (> 0.75, sensitivity 0.96 and precision 0.92)]. The same nucleotide change resulting in the same amino acid change has been previously reported as pathogenic/likely pathogenic with strong evidence (ClinVar ID: VCV000586637 /PMID: 8351519 /3billion dataset). The variant has been reported to co-segregate with the disease in at least 7 similarly affected relatives/individuals in at least two unrelated families (PMID: 11676987, 15258228, 20309572). A different missense change at the same codon (p.Leu145Ser) has been reported as pathogenic/likely pathogenic with strong evidence (ClinVar ID: VCV000014768 /PMID: 7496169). Therefore, this variant is classified as Pathogenic according to the recommendation of ACMG/AMP guideline.

PreventionGenetics, part of Exact Sciences
Classification: Pathogenic for SOD1-related condition. Last evaluated: 2025-06-10. Review status: criteria provided, single submitter. Criteria: ACMG Guidelines, 2015. Collection method: clinical testing. Allele origin: germline.
Comment: The SOD1 c.435G>C variant is predicted to result in the amino acid substitution p.Leu145Phe. This variant, also referred to as p.Leu144Phe using legacy nomenclature, has been reported in several individuals with a personal and family history of amyotrophic lateral sclerosis (ALS), and was demonstrated to segregate with disease (Deng et al.1993. PubMed ID: 8351519; Niemann et al 2004. PubMed ID: 15258228; Masè et al. 2001. PubMed ID: 11676987; Corcia et al. 2010. PubMed ID: 20562451). Measured SOD1 activity from patients' cells was decreased (~33%) compared to normal (Masè et al. 2001. PubMed ID: 11676987). Additional in vitro functional studies using HEK293T cells demonstrated that expression of this variant results in a moderate propensity to form aggregates compared to wildtype cells (Prudencio et al. 2009. PubMed ID: 19483195), as well as having an interaction with Derlin-1, leading to the disruption of the endoplasmic reticulum-associated degradation (ERAD) pathway (Fujisawa et al. 2012. PubMed ID: 23280792). This variant is reported in 0.0035% of alleles in individuals of European (non-Finnish) descent in gnomAD and has been consistently interpreted as pathogenic by other laboratories in the ClinVar database (ClinVar ID: 586637). Taken together, we interpret this variant as pathogenic.

Clinical Omics and Informatics (COIN) Unit, Neuroscience Institute, University Of Cape Town
Classification: Pathogenic for Amyotrophic lateral sclerosis type 1. Last evaluated: 2025-05-13. Review status: criteria provided, single submitter. Criteria: ACMG Guidelines, 2015. Collection method: research. Allele origin: germline. Inheritance: Autosomal dominant inheritance. Affected: yes. Observed: 1 variant allele, 1 heterozygote.
Comment: Variant is absent from gnomAD v4 (coverage >20X confirmed) and the AGVD database. PP1 Met: ≥3 informative meiosis in ≥1 family (PMID:11676987). PM5 Met: Pathogenic missense variants reported at same amino acid (PMID:7496169;23062701). PP3_Moderate: Revel score is 0.915. PS3_Supporting: The findings from this study provide functional evidence supporting the pathogenicity of the SOD1 p.Leu145Phe variant in ALS. The observed metabolic and mitochondrial dysfunctions, along with increased oxidative stress, align with known mechanisms contributing to motor neuron degeneration in ALS (PMID:35624679). PS4_Met: ≥10 unrelated probands with consistent phenotype for disorder (SCV000948375.5, SCV005442799.1, SCV001777336.3, SCV002764901.1, PMID: 39141064).

Institute of Human Genetics Munich, TUM University Hospital
Classification: Pathogenic for Amyotrophic lateral sclerosis type 1. Last evaluated: 2025-02-17. Review status: criteria provided, single submitter. Criteria: Classification criteria August 2017. Collection method: clinical testing. Allele origin: germline. Inheritance: Autosomal dominant inheritance. Affected: yes. Observed: 1 variant allele.

Institute of Medical Genetics and Applied Genomics, University Hospital Tübingen
Classification: Pathogenic for Amyotrophic lateral sclerosis type 1. Last evaluated: 2025-01-07. Review status: criteria provided, single submitter. Criteria: ACMG Guidelines, 2015. Collection method: clinical testing. Allele origin: germline. Inheritance: Autosomal dominant inheritance. Affected: yes.

Blueprint Genetics
Classification: Pathogenic for SOD1-related disorders. Last evaluated: 2024-09-17. Review status: criteria provided, single submitter. Criteria: ACMG Guidelines, 2015. Collection method: clinical testing. Allele origin: germline. Affected: yes. Observed: 4 variant alleles.

GeneDx
Classification: Pathogenic. Last evaluated: 2022-05-06. Review status: criteria provided, single submitter. Criteria: GeneDx Variant Classification Process June 2021. Collection method: clinical testing. Allele origin: germline. Affected: yes.
Comment: Reported to segregate with ALS in a large family of Istro-Rumanian origin; decrease in SOD1 activity was noted in patient cells from affected individuals harboring the variant (Mase et al., 2001).; Multiple published functional studies demonstrate the variant results in an increase in SOD1 aggregation propensity (Banci et al., 2008; Furukawa et al., 2010; Prudencio et al., 2009); In silico analysis supports that this missense variant has a deleterious effect on protein structure/function; Not observed at significant frequency in large population cohorts (gnomAD); This variant is associated with the following publications: (PMID: 23291526, 30949819, 20001489, 23100398, 22292843, 23280792, 19483195, 20404329, 20399791, 20562451, 25509359, 8351519, 7496169, 18301754, 30887850, 13129804, 15258228, 28222900, 24325798, 11676987, 28444446, 34426522, 34638725, 32739880, 32471232, 23881933, 31061493, 33106424, 33036560, 35047667, Perciballi2022[FunctionalStudy])

Athena Diagnostics
Classification: Pathogenic. Last evaluated: 2017-11-10. Review status: criteria provided, single submitter. Criteria: Athena Diagnostics Criteria. Collection method: clinical testing. Allele origin: germline.

Literature cited by the submitters: PubMed 11676987 (cited by 4 submitters); PubMed 15258228 (cited by Labcorp Genetics (formerly Invitae), Labcorp and 3billion); PubMed 16291929 (cited by Labcorp Genetics (formerly Invitae), Labcorp and Athena Diagnostics); PubMed 20309572 (cited by 3 submitters); PubMed 21700728 (cited by Labcorp Genetics (formerly Invitae), Labcorp); PubMed 23100398 (cited by Labcorp Genetics (formerly Invitae), Labcorp); PubMed 28222900 (cited by Labcorp Genetics (formerly Invitae), Labcorp); PubMed 15987780 (cited by Labcorp Genetics (formerly Invitae), Labcorp and Athena Diagnostics); PubMed 19483195 (cited by Labcorp Genetics (formerly Invitae), Labcorp and Athena Diagnostics); PubMed 20399791 (cited by Labcorp Genetics (formerly Invitae), Labcorp and Athena Diagnostics); PubMed 20404329 (cited by Labcorp Genetics (formerly Invitae), Labcorp and Athena Diagnostics); PubMed 7496169 (cited by 3 submitters); PubMed 9029070 (cited by Labcorp Genetics (formerly Invitae), Labcorp); PubMed 23062701 (cited by Labcorp Genetics (formerly Invitae), Labcorp and Clinical Omics and Informatics (COIN) Unit, Neuroscience Institute, University Of Cape Town); PubMed 27978769 (cited by Labcorp Genetics (formerly Invitae), Labcorp); PubMed 8351519 (cited by 3billion and Athena Diagnostics); PubMed 35624679 (cited by Clinical Omics and Informatics (COIN) Unit, Neuroscience Institute, University Of Cape Town); PubMed 39141064 (cited by Clinical Omics and Informatics (COIN) Unit, Neuroscience Institute, University Of Cape Town); PubMed 13129804 (cited by Athena Diagnostics); PubMed 18301754 (cited by Athena Diagnostics); PubMed 18669821 (cited by Athena Diagnostics); PubMed 20562451 (cited by Athena Diagnostics); PubMed 23291526 (cited by Athena Diagnostics); PubMed 23280792 (cited by Athena Diagnostics).